The following is an entry in ClinVar:

ClinVar aggregate classification (germline): Uncertain significance. Review status: criteria provided, multiple submitters, no conflicts (2 of 4 stars). 3 submissions from 3 submitters: Uncertain significance (3). Last evaluated 2023-06-08.

Conditions:
Hypertrophic cardiomyopathy. Also called: HYPERTROPHIC MYOCARDIOPATHY. Identifiers: Orphanet 217569, MedGen C0007194, MeSH D002312, MONDO:0005045, HP:0001639.

Allele frequency attached by ClinVar (database versions not stated): gnomAD exomes below 0.00001; gnomAD 0.00001.
gnomAD v4.1: 2 of 1,590,160 alleles (0.00013%); highest among the groups gnomAD compares: Non-Finnish European, 0.00017%; no homozygotes.

Submissions (3):

All of Us Research Program, National Institutes of Health
Classification: Uncertain significance for Hypertrophic cardiomyopathy. Last evaluated: 2023-06-08. Review status: criteria provided, single submitter. Criteria: ACMG Guidelines, 2015. Collection method: clinical testing. Allele origin: germline. Inheritance: Autosomal dominant inheritance. Observed: 1 variant allele, 1 heterozygote.
Comment: This missense variant replaces aspartic acid with glycine at codon 1076 of the MYBPC3 protein. Computational prediction suggests that this variant may not impact protein structure and function (internally defined REVEL score threshold <= 0.5, PMID: 27666373). To our knowledge, functional studies have not been reported for this variant. This variant has been reported in at least one individual affected with dilated cardiomyopathy (PMID: 28416588, 31514951) and in an individual suspected to be affected with hypertrophic cardiomyopathy (PMID: 33673806). This variant has been identified in 1/31354 chromosomes in the general population by the Genome Aggregation Database (gnomAD). The available evidence is insufficient to determine the role of this variant in disease conclusively. Therefore, this variant is classified as a Variant of Uncertain Significance.

This study involves interpretation of variants in research participants for the purpose of population health screening. Participant phenotype was not available at the time of variant classification. Additional details can be found in publication PMID: 35346344, PMCID: PMC8962531

Labcorp Genetics (formerly Invitae), Labcorp
Classification: Uncertain significance for Hypertrophic cardiomyopathy. Last evaluated: 2021-03-28. Review status: criteria provided, single submitter. Criteria: Invitae Variant Classification Sherloc (09022015). Collection method: clinical testing. Allele origin: germline.
Comment: In summary, the available evidence is currently insufficient to determine the role of this variant in disease. Therefore, it has been classified as a Variant of Uncertain Significance. Algorithms developed to predict the effect of missense changes on protein structure and function are either unavailable or do not agree on the potential impact of this missense change (SIFT: "Deleterious"; PolyPhen-2: "Possibly Damaging"; Align-GVGD: "Class C15"). This variant has been observed in individual(s) with dilated cardiomyopathy (PMID: 28416588, 31514951). ClinVar contains an entry for this variant (Variation ID: 180413). This variant is not present in population databases (ExAC no frequency). This sequence change replaces aspartic acid with glycine at codon 1076 of the MYBPC3 protein (p.Asp1076Gly). The aspartic acid residue is weakly conserved and there is a moderate physicochemical difference between aspartic acid and glycine.

GeneDx
Classification: Uncertain significance. Last evaluated: 2020-09-23. Review status: criteria provided, single submitter. Criteria: GeneDx Variant Classification Process June 2021. Collection method: clinical testing. Allele origin: germline. Affected: yes.
Comment: Reported in association with cardiomyopathy (Dal Ferro et al., 2017); however, additional clinical information was not provided; Not observed at a significant frequency in large population cohorts (Lek et al., 2016); In silico analysis supports that this missense variant has a deleterious effect on protein structure/function; This variant is associated with the following publications: (PMID: 33673806, 28416588, 31514951)

Literature cited by the submitters: PubMed 28416588 (cited by All of Us Research Program, National Institutes of Health and Labcorp Genetics (formerly Invitae), Labcorp); PubMed 31514951 (cited by All of Us Research Program, National Institutes of Health and Labcorp Genetics (formerly Invitae), Labcorp); PubMed 33673806 (cited by All of Us Research Program, National Institutes of Health).

NM_000256.3(MYBPC3):c.3227A>G (p.Asp1076Gly)

Gene: MYBPC3 (myosin binding protein C3; minus strand). Cytogenetic location: 11p11.2.
Variant type: single nucleotide variant.
Coding change: c.3227A>G on transcript NM_000256.3 (MANE Select); coding-DNA position 3227, A replaced by G.
Protein change: p.Asp1076Gly; replaces aspartic acid 1076 with glycine.
Molecular consequence: missense variant.
Genome position (GRCh38, 1-based): chr11:47,333,297, T>C on the plus strand (A>G on the coding strand, the complement: MYBPC3 is on the minus strand). VCF-style: chr11-47333297-T-C. GRCh37 (hg19) VCF-style: chr11-47354848-T-C.
Other names: c.3227A>G, p.Asp1076Gly (LRG_386t1); short protein forms D1076G.
Identifiers: ClinVar variation 180413 (VCV000180413.12), dbSNP rs730880140, ClinGen allele CA013694.
Genomic context (GRCh38, chr11:47,333,297, plus strand): 5'-TCCGTGTTGCCGACATCCTGGGGTGGCTTCCACTCCAGAGCCACATTAAGACCCCAGGCG[T>C]CAGTCACCCGGAGATCCTGGGGAGGACTTGGCTTGTCTGCGGGAGACAGACCCAGTTGGG-3'
Protein context (NP_000247.2, residues 1066-1086): PSPPQDLRVT[Asp1076Gly]AWGLNVALEW